The following is an entry in ClinVar:

ClinVar aggregate classification (germline): Benign/Likely benign. Review status: criteria provided, multiple submitters, no conflicts (2 of 4 stars). 3 submissions from 3 submitters: Benign (1); Likely benign (2). Last evaluated 2026-09-28.

Conditions:
Cardiovascular phenotype. Identifiers: MedGen CN230736.
Hereditary cancer-predisposing syndrome. Also called: Hereditary neoplastic syndrome; Neoplastic Syndromes, Hereditary; Tumor predisposition; Hereditary Cancer Syndrome. Identifiers: Orphanet 140162, MedGen C0027672, MeSH D009386, MONDO:0015356.
Neurofibromatosis, type 1 (NF1). Also called: Neurofibromatosis, type I; Peripheral type neurofibromatosis; VON RECKLINGHAUSEN DISEASE; NEUROFIBROMATOSIS, TYPE I, SOMATIC. Identifiers: Orphanet 636, MedGen C0027831, MONDO:0018975, OMIM 162200. Disease mechanism: loss of function.

Submissions (3):

Myriad Genetics, Inc.
Classification: Benign for Neurofibromatosis, type 1. Last evaluated: 2026-09-28. Review status: criteria provided, single submitter. Criteria: Myriad Autosomal Dominant, Autosomal Recessive and X-Linked Classification Criteria (2023). Collection method: clinical testing. Allele origin: unknown.
Comment: This variant is considered benign. This variant is a silent/synonymous amino acid change and it is not expected to impact splicing.

Ambry Genetics
Classification: Likely benign for Cardiovascular phenotype; Hereditary cancer-predisposing syndrome. Last evaluated: 2022-01-11. Review status: criteria provided, single submitter. Criteria: Ambry Variant Classification Scheme 2023. Collection method: clinical testing. Allele origin: germline.

Labcorp Genetics (formerly Invitae), Labcorp
Classification: Likely benign for Neurofibromatosis, type 1. Last evaluated: 2018-10-29. Review status: criteria provided, single submitter. Criteria: Invitae Variant Classification Sherloc (09022015). Collection method: clinical testing. Allele origin: germline.

NM_001042492.3(NF1):c.7791A>T (p.Ser2597=)

Gene: NF1 (neurofibromin 1; plus strand). Cytogenetic location: 17q11.2.
Variant type: single nucleotide variant.
Coding change: c.7791A>T on transcript NM_001042492.3 (MANE Select); coding-DNA position 7791, A replaced by T.
Protein change: p.Ser2597=; no amino-acid change (serine 2597 retained).
Molecular consequence: synonymous variant.
Genome position (GRCh38, 1-based): chr17:31,357,012, A>T. VCF-style: chr17-31357012-A-T. GRCh37 (hg19) VCF-style: chr17-29684030-A-T.
Other names: c.7728A>T, p.Ser2576= (NM_000267.4).
Identifiers: ClinVar variation 793907 (VCV000793907.10), dbSNP rs1597866426, ClinGen allele CA499239433.